The following is an entry in ClinVar:

ClinVar aggregate classification (germline): Uncertain significance. Review status: criteria provided, multiple submitters, no conflicts (2 of 4 stars). 6 submissions from 5 submitters: Uncertain significance (6). Last evaluated 2025-08-05.

Conditions:
Inborn genetic diseases. Identifiers: MedGen C0950123, MeSH D030342.
Optic atrophy 10 with or without ataxia, impaired intellectual development, and seizures. Also called: Optic atrophy 10 with or without ataxia, intellectual disability, and seizures; OPTIC ATROPHY 10 WITH OR WITHOUT ATAXIA, MENTAL RETARDATION, AND SEIZURES. Identifiers: MedGen C4225227, MONDO:0020737, OMIM 616732.

Allele frequency attached by ClinVar (database versions not stated): ExAC 0.00002; gnomAD exomes 0.00001 and 0.00002; gnomAD 0.00016; TOPMed 0.00035; 1000 Genomes Project 0.00040; 1000 Genomes Project 30x 0.00062.
gnomAD v4.1: 40 of 1,613,472 alleles (0.0025%); highest among the groups gnomAD compares: Admixed American, 0.05%; no homozygotes.

Submissions (6):

Ambry Genetics
Classification: Uncertain significance for Inborn genetic diseases. Last evaluated: 2025-08-05. Review status: criteria provided, single submitter. Criteria: Ambry Variant Classification Scheme 2023. Collection method: clinical testing. Allele origin: germline.

Blueprint Genetics
Classification: Uncertain significance. Last evaluated: 2023-02-01. Review status: criteria provided, single submitter. Criteria: ACMG Guidelines, 2015. Collection method: clinical testing. Allele origin: germline.

Labcorp Genetics (formerly Invitae), Labcorp
Classification: Uncertain significance. Last evaluated: 2022-09-19. Review status: criteria provided, single submitter. Criteria: Invitae Variant Classification Sherloc (09022015). Collection method: clinical testing. Allele origin: germline.
Comment: This sequence change replaces proline, which is neutral and non-polar, with leucine, which is neutral and non-polar, at codon 85 of the RTN4IP1 protein (p.Pro85Leu). This variant is present in population databases (rs193121821, gnomAD 0.006%). This variant has not been reported in the literature in individuals affected with RTN4IP1-related conditions. ClinVar contains an entry for this variant (Variation ID: 864721). Advanced modeling of protein sequence and biophysical properties (such as structural, functional, and spatial information, amino acid conservation, physicochemical variation, residue mobility, and thermodynamic stability) performed at Invitae indicates that this missense variant is expected to disrupt RTN4IP1 protein function. In summary, the available evidence is currently insufficient to determine the role of this variant in disease. Therefore, it has been classified as a Variant of Uncertain Significance.

GeneDx
Classification: Uncertain significance. Last evaluated: 2021-05-25. Review status: criteria provided, single submitter. Criteria: GeneDx Variant Classification Process June 2021. Collection method: clinical testing. Allele origin: germline. Affected: yes.
Comment: Has not been previously published as pathogenic or benign to our knowledge; In silico analysis supports that this missense variant has a deleterious effect on protein structure/function

New York Genome Center
Classification: Uncertain significance for Optic atrophy 10 with or without ataxia, impaired intellectual development, and seizures. Last evaluated: 2020-07-27. Review status: criteria provided, single submitter. Criteria: NYGC Assertion Criteria 2020. Collection method: clinical testing. Allele origin: inherited. Observed: 1 heterozygote. Study: CSER-NYCKidSeq.

New York Genome Center
Classification: Uncertain significance for Optic atrophy 10 with or without ataxia, impaired intellectual development, and seizures. Last evaluated: 2020-03-17. Review status: criteria provided, single submitter. Criteria: NYGC Assertion Criteria 2020. Collection method: clinical testing. Allele origin: inherited. Observed: 1 hemizygote. Study: CSER-NYCKidSeq.

NM_032730.5(RTN4IP1):c.254C>T (p.Pro85Leu)

Gene: RTN4IP1 (reticulon 4 interacting protein 1; minus strand). Cytogenetic location: 6q21.
Variant type: single nucleotide variant.
Coding change: c.254C>T on transcript NM_032730.5 (MANE Select); coding-DNA position 254, C replaced by T.
Protein change: p.Pro85Leu; replaces proline 85 with leucine.
Molecular consequence: missense variant. On other transcripts: intron variant (1).
Genome position (GRCh38, 1-based): chr6:106,628,768, G>A on the plus strand (C>T on the coding strand, the complement: RTN4IP1 is on the minus strand). VCF-style: chr6-106628768-G-A. GRCh37 (hg19) VCF-style: chr6-107076643-G-A.
Other names: c.-27+1559C>T (NM_001318746.1); short protein forms P85L.
Identifiers: ClinVar variation 864721 (VCV000864721.11), dbSNP rs193121821, ClinGen allele CA3944566.